The following is an entry in ClinVar:

ClinVar aggregate classification (germline): Conflicting classifications of pathogenicity. Review status: criteria provided, conflicting classifications (1 of 4 stars). 3 submissions from 3 submitters: Uncertain significance (1); Likely benign (2). Last evaluated 2026-01-27.

Allele frequency attached by ClinVar (database versions not stated): gnomAD exomes 0.00008 and 0.00027; ExAC 0.00009; gnomAD 0.00015 and 0.00016; TOPMed 0.00015; 1000 Genomes Project 0.00020; 1000 Genomes Project 30x 0.00031; ESP Exome Variant Server 0.00038.
gnomAD v4.1: 404 of 1,613,178 alleles (0.025%); highest among the groups gnomAD compares: Non-Finnish European, 0.033%; no homozygotes.

Submissions (3):

Labcorp Genetics (formerly Invitae), Labcorp
Classification: Uncertain significance. Last evaluated: 2026-01-27. Review status: criteria provided, single submitter. Criteria: Invitae Variant Classification Sherloc (09022015). Collection method: clinical testing. Allele origin: germline.
Comment: This sequence change replaces proline, which is neutral and non-polar, with leucine, which is neutral and non-polar, at codon 75 of the MYLK3 protein (p.Pro75Leu). This variant is present in population databases (rs151009173, gnomAD 0.02%). This variant has not been reported in the literature in individuals affected with MYLK3-related conditions. ClinVar contains an entry for this variant (Variation ID: 1428529). An algorithm developed to predict the effect of missense changes on protein structure and function outputs the following: PolyPhen-2: "Benign". The leucine amino acid residue is found in multiple mammalian species, which suggests that this missense change does not adversely affect protein function. In summary, the available evidence is currently insufficient to determine the role of this variant in disease. Therefore, it has been classified as a Variant of Uncertain Significance.

Mayo Clinic Laboratories, Mayo Clinic
Classification: Likely benign. Last evaluated: 2025-12-18. Review status: criteria provided, single submitter. Criteria: ACMG Guidelines, 2015. Collection method: clinical testing. Allele origin: germline. Observed: 1 variant allele.
Comment: BS1, BP4_moderate

Ambry Genetics
Classification: Likely benign. Last evaluated: 2024-03-15. Review status: criteria provided, single submitter. Criteria: Ambry Variant Classification Scheme 2023. Collection method: clinical testing. Allele origin: germline.

NM_182493.3(MYLK3):c.224C>T (p.Pro75Leu)

Gene: MYLK3 (myosin light chain kinase 3; minus strand). Cytogenetic location: 16q11.2.
Variant type: single nucleotide variant.
Coding change: c.224C>T on transcript NM_182493.3 (MANE Select); coding-DNA position 224, C replaced by T.
Protein change: p.Pro75Leu; replaces proline 75 with leucine.
Molecular consequence: missense variant. On other transcripts: intron variant (1).
Genome position (GRCh38, 1-based): chr16:46,747,970, G>A on the plus strand (C>T on the coding strand, the complement: MYLK3 is on the minus strand). VCF-style: chr16-46747970-G-A. GRCh37 (hg19) VCF-style: chr16-46781882-G-A.
Other names: p.Pro75Leu; c.-113-7823C>T (NM_001308301.1); c.224C>T (NM_182493.2); short protein forms P75L.
Identifiers: ClinVar variation 1428529 (VCV001428529.8), dbSNP rs151009173, ClinGen allele CA8038299.